The following is an entry in ClinVar:

NM_016247.4(IMPG2):c.3476A>G (p.Tyr1159Cys)

Gene: IMPG2 (interphotoreceptor matrix proteoglycan 2; minus strand). Cytogenetic location: 3q12.3.
Variant type: single nucleotide variant.
Coding change: c.3476A>G on transcript NM_016247.4 (MANE Select); coding-DNA position 3476, A replaced by G.
Protein change: p.Tyr1159Cys; replaces tyrosine 1159 with cysteine.
Molecular consequence: missense variant.
Genome position (GRCh38, 1-based): chr3:101,229,537, T>C on the plus strand (A>G on the coding strand, the complement: IMPG2 is on the minus strand). VCF-style: chr3-101229537-T-C. GRCh37 (hg19) VCF-style: chr3-100948381-T-C.
Other names: short protein forms Y1159C.
Identifiers: ClinVar variation 1925782 (VCV001925782.4), dbSNP rs1171235255, ClinGen allele CA353847887.
Genomic context (GRCh38, chr3:101,229,537, plus strand): 5'-TGAGGATAGGGTCCCTCATACTTCTCACATCCAGCCCTGTGACTTTCATACACGGGGTTG[T>C]ACTTCACAGCATTCTCAATAGATGAGAGGCTGTCAGGCTGCCTGCTGGAGCCACTAAAAG-3'
Protein context (NP_057331.2, residues 1149-1169): SLSSIENAVK[Tyr1159Cys]NPVYESHRAG

ClinVar aggregate classification (germline): Uncertain significance (1 of 4 stars; one submission).

Allele frequency attached by ClinVar (database versions not stated): gnomAD exomes 0.00001.
gnomAD v4.1: 6 of 1,614,014 alleles (0.00037%); highest among the groups gnomAD compares: South Asian, 0.0055%; no homozygotes.

Submission:

Labcorp Genetics (formerly Invitae), Labcorp
Classification: Uncertain significance. Last evaluated: 2021-12-29. Review status: criteria provided, single submitter. Criteria: Invitae Variant Classification Sherloc (09022015). Collection method: clinical testing. Allele origin: germline.
Comment: In summary, the available evidence is currently insufficient to determine the role of this variant in disease. Therefore, it has been classified as a Variant of Uncertain Significance. Algorithms developed to predict the effect of missense changes on protein structure and function output the following: SIFT: "Deleterious"; PolyPhen-2: "Benign"; Align-GVGD: "Class C25". The cysteine amino acid residue is found in multiple mammalian species, which suggests that this missense change does not adversely affect protein function. This variant has not been reported in the literature in individuals affected with IMPG2-related conditions. This variant is present in population databases (no rsID available, gnomAD 0.003%). This sequence change replaces tyrosine, which is neutral and polar, with cysteine, which is neutral and slightly polar, at codon 1159 of the IMPG2 protein (p.Tyr1159Cys).